The following is an entry in ClinVar:

ClinVar aggregate classification (germline): Likely benign (1 of 4 stars; one submission).

Allele frequency attached by ClinVar (database versions not stated): gnomAD exomes 0.00002; gnomAD 0.00003; TOPMed 0.00005; ExAC 0.00006.
gnomAD v4.1: 34 of 1,614,068 alleles (0.0021%); highest among the groups gnomAD compares: East Asian, 0.02%; no homozygotes.

Submission:

CeGaT Center for Human Genetics Tuebingen
Classification: Likely benign. Last evaluated: 2023-04-01. Review status: criteria provided, single submitter. Criteria: CeGaT Center For Human Genetics Tuebingen Variant Classification Criteria Version 2. Collection method: clinical testing. Allele origin: germline. Affected: yes. Observed: 1 variant allele.
Comment: TGM4: BP4, BP7

NM_003241.4(TGM4):c.1540T>C (p.Leu514=)

Gene: TGM4 (transglutaminase 4; plus strand). Cytogenetic location: 3p21.31.
Variant type: single nucleotide variant.
Coding change: c.1540T>C on transcript NM_003241.4 (MANE Select); coding-DNA position 1540, T replaced by C.
Protein change: p.Leu514=; no amino-acid change (leucine 514 retained).
Molecular consequence: synonymous variant.
Genome position (GRCh38, 1-based): chr3:44,910,302, T>C. VCF-style: chr3-44910302-T-C. GRCh37 (hg19) VCF-style: chr3-44951794-T-C.
Identifiers: ClinVar variation 2653727 (VCV002653727.24), dbSNP rs753619116, ClinGen allele CA2347562.